The following is an entry in ClinVar:

ClinVar aggregate classification (germline): Conflicting classifications of pathogenicity. Review status: criteria provided, conflicting classifications (1 of 4 stars). 2 submissions from 2 submitters: Uncertain significance (1); Likely benign (1). Last evaluated 2025-10-24.

Conditions:
Fanconi anemia complementation group O. Also called: RAD51C-Related Fanconi Anemia. Identifiers: Orphanet 84, MedGen C3150653, MONDO:0013248, OMIM 613390.
Hereditary cancer-predisposing syndrome. Also called: Tumor predisposition; Hereditary neoplastic syndrome; Hereditary Cancer Syndrome; Neoplastic Syndromes, Hereditary. Identifiers: Orphanet 140162, MedGen C0027672, MeSH D009386, MONDO:0015356.

Allele frequency attached by ClinVar (database versions not stated): gnomAD exomes below 0.00001.
gnomAD v4.1: 4 of 1,613,798 alleles (0.00025%); highest among the groups gnomAD compares: Non-Finnish European, 0.00034%; no homozygotes.

Submissions (2):

Ambry Genetics
Classification: Likely benign for Hereditary cancer-predisposing syndrome. Last evaluated: 2025-10-24. Review status: criteria provided, single submitter. Criteria: Ambry Variant Classification Scheme 2023. Collection method: clinical testing. Allele origin: germline.

Labcorp Genetics (formerly Invitae), Labcorp
Classification: Uncertain significance for Fanconi anemia complementation group O. Last evaluated: 2021-09-15. Review status: criteria provided, single submitter. Criteria: Invitae Variant Classification Sherloc (09022015). Collection method: clinical testing. Allele origin: germline.
Comment: In summary, the available evidence is currently insufficient to determine the role of this variant in disease. Therefore, it has been classified as a Variant of Uncertain Significance. Algorithms developed to predict the effect of missense changes on protein structure and function (SIFT, PolyPhen-2, Align-GVGD) all suggest that this variant is likely to be tolerated. This variant has not been reported in the literature in individuals affected with RAD51C-related conditions. This variant is not present in population databases (ExAC no frequency). This sequence change replaces proline with arginine at codon 116 of the RAD51C protein (p.Pro116Arg). The proline residue is moderately conserved and there is a moderate physicochemical difference between proline and arginine.

NM_058216.3(RAD51C):c.347C>G (p.Pro116Arg)

Gene: RAD51C (RAD51 paralog C; plus strand). Cytogenetic location: 17q22.
Variant type: single nucleotide variant.
Coding change: c.347C>G on transcript NM_058216.3 (MANE Select); coding-DNA position 347, C replaced by G.
Protein change: p.Pro116Arg; replaces proline 116 with arginine.
Molecular consequence: missense variant. On other transcripts: non-coding transcript variant (2).
Genome position (GRCh38, 1-based): chr17:58,695,132, C>G. VCF-style: chr17-58695132-C-G. GRCh37 (hg19) VCF-style: chr17-56772493-C-G.
Other names: c.347C>G (NM_058216.1); c.347C>G, p.Pro116Arg (NM_002876.4); short protein forms P116R.
Identifiers: ClinVar variation 1445288 (VCV001445288.8), dbSNP rs2047955710, ClinGen allele CA400341494.
Genomic context (GRCh38, chr17:58,695,132, plus strand): 5'-CCCAGGGCTTCATAATCACCTTCTGTTCAGCACTAGATGATATTCTTGGGGGTGGAGTGC[C>G]CTTAATGAAAACAACAGAAATTTGTGGTGCACCAGGTGTTGGAAAAACACAATTATGGTA-3'
Protein context (NP_478123.1, residues 106-126): ALDDILGGGV[Pro116Arg]LMKTTEICGA